The following is an entry in ClinVar:

ClinVar aggregate classification (germline): Uncertain significance (1 of 4 stars; one submission).

Allele frequency attached by ClinVar (database versions not stated): TOPMed below 0.00001; gnomAD 0.00001; gnomAD exomes 0.00001.
gnomAD v4.1: 5 of 1,613,172 alleles (0.00031%); highest among the groups gnomAD compares: Admixed American, 0.0067%; no homozygotes.

Submission:

Labcorp Genetics (formerly Invitae), Labcorp
Classification: Uncertain significance. Last evaluated: 2022-06-13. Review status: criteria provided, single submitter. Criteria: Invitae Variant Classification Sherloc (09022015). Collection method: clinical testing. Allele origin: germline.
Comment: In summary, the available evidence is currently insufficient to determine the role of this variant in disease. Therefore, it has been classified as a Variant of Uncertain Significance. Algorithms developed to predict the effect of missense changes on protein structure and function (SIFT, PolyPhen-2, Align-GVGD) all suggest that this variant is likely to be tolerated. This variant has not been reported in the literature in individuals affected with PCARE-related conditions. This variant is present in population databases (no rsID available, gnomAD 0.01%). This sequence change replaces glutamine, which is neutral and polar, with proline, which is neutral and non-polar, at codon 943 of the PCARE protein (p.Gln943Pro).

NM_001029883.3(PCARE):c.2828A>C (p.Gln943Pro)

Gene: PCARE (photoreceptor cilium actin regulator; minus strand). Cytogenetic location: 2p23.2.
Variant type: single nucleotide variant.
Coding change: c.2828A>C on transcript NM_001029883.3 (MANE Select); coding-DNA position 2828, A replaced by C.
Protein change: p.Gln943Pro; replaces glutamine 943 with proline.
Molecular consequence: missense variant.
Genome position (GRCh38, 1-based): chr2:29,071,434, T>G on the plus strand (A>C on the coding strand, the complement: PCARE is on the minus strand). VCF-style: chr2-29071434-T-G. GRCh37 (hg19) VCF-style: chr2-29294300-T-G.
Other names: short protein forms Q943P.
Identifiers: ClinVar variation 1934523 (VCV001934523.4), dbSNP rs1237600907, ClinGen allele CA346476346.